The following is an entry in ClinVar:

ClinVar aggregate classification (germline): Pathogenic (1 of 4 stars; one submission).

Submission:

Quest Diagnostics Nichols Institute San Juan Capistrano
Classification: Pathogenic. Last evaluated: 2024-01-22. Review status: criteria provided, single submitter. Criteria: ACMG/ClinGen CNV Guidelines, 2019. Collection method: clinical testing. Allele origin: unknown.
Comment: This loss involves multiple protein-coding genes, including EBF3 (OMIM 607407). Haploinsufficiency of EBF3 is associated with hypotonia, ataxia, and delayed development syndrome (HADDS; OMIM 617330; CCID:007047). Multiple reports have associated the current region with various aspects of 10q26 deletion syndrome (OMIM 609625; Faria 2016, Ignatius 2020, Lacaria 2017, Lin 2016, Lopes 2017, Nishi 2021). There are no similar copy number losses of this region in the general populations of the Database of Genomic Variants. Thus, this CNV is classified as pathogenic. References: Faria AC, et al., Am J Med Genet A. 2016 Feb;170A(2):403-9. PMID: 26566760; Ignatius et al., Neurol Genet. 2020 Jun 5;6(4):e444. PMID: 32637629; Lacaria et al., Am J Med Genet A. 2017 Jun;173(6):1611-1619. PMID: 28432728; Lin et al., Mol Med Rep. 2016 Dec;14(6):5134-5140. PMID: 27779662; Lopes et al., Front Genet. 2017 Oct 9;8:143. PMID: 29062322; Nishi et al., Am J Med Genet A. 2021 Oct;185(10):2913-2921. PMID: 34050706

GRCh37/hg19 10q26.2-26.3(chr10:130006415-133270077)x1

Genes: EBF3 (EBF transcription factor 3; minus strand), GLRX3 (glutaredoxin 3; plus strand), MGMT (O-6-methylguanine-DNA methyltransferase; plus strand), TCERG1L (transcription elongation regulator 1 like; minus strand), TCERG1L-AS1 (TCERG1L antisense RNA 1; plus strand). Cytogenetic location: 10q26.2-26.3.
Variant type: copy number loss.
Change: copy number 1 (one copy instead of two) of chr10:130,006,415-133,270,077 (3.26 Mb, GRCh37 coordinates, 1-based), cytogenetic band 10q26.2-26.3.
Identifiers: ClinVar variation 3391908 (VCV003391908.1).